The following is an entry in ClinVar:

NM_018124.4(RFWD3):c.2055G>C (p.Gln685His)

Gene: RFWD3 (ring finger and WD repeat domain 3; minus strand). Cytogenetic location: 16q23.1.
Variant type: single nucleotide variant.
Coding change: c.2055G>C on transcript NM_018124.4 (MANE Select); coding-DNA position 2055, G replaced by C.
Protein change: p.Gln685His; replaces glutamine 685 with histidine.
Molecular consequence: missense variant.
Genome position (GRCh38, 1-based): chr16:74,626,469, C>G on the plus strand (G>C on the coding strand, the complement: RFWD3 is on the minus strand). VCF-style: chr16-74626469-C-G. GRCh37 (hg19) VCF-style: chr16-74660367-C-G.
Other names: c.2055G>C, p.Gln685His (NM_001370534.1, NM_001370535.1); c.1878G>C, p.Gln626His (NM_001370536.1); c.1221G>C, p.Gln407His (NM_001370537.1, NM_001370539.1, NM_001370540.1 and 3 more transcripts); short protein forms Q685H, Q407H, Q626H.
Identifiers: ClinVar variation 2803122 (VCV002803122.3), dbSNP rs749453678, ClinGen allele CA8169003.

ClinVar aggregate classification (germline): Uncertain significance (1 of 4 stars; one submission).

Allele frequency attached by ClinVar (database versions not stated): TOPMed below 0.00001; ExAC 0.00001.
gnomAD v4.1: 3 of 1,614,142 alleles (0.00019%); highest among the groups gnomAD compares: South Asian, 0.0022%; no homozygotes.

Submission:

Labcorp Genetics (formerly Invitae), Labcorp
Classification: Uncertain significance. Last evaluated: 2025-09-10. Review status: criteria provided, single submitter. Criteria: Invitae Variant Classification Sherloc (09022015). Collection method: clinical testing. Allele origin: germline.
Comment: This sequence change replaces glutamine, which is neutral and polar, with histidine, which is basic and polar, at codon 685 of the RFWD3 protein (p.Gln685His). This variant is present in population databases (rs749453678, gnomAD 0.003%). This variant has not been reported in the literature in individuals affected with RFWD3-related conditions. ClinVar contains an entry for this variant (Variation ID: 2803122). An algorithm developed to predict the effect of missense changes on protein structure and function outputs the following: PolyPhen-2: "Benign". The histidine amino acid residue is found in multiple mammalian species, which suggests that this missense change does not adversely affect protein function. In summary, the available evidence is currently insufficient to determine the role of this variant in disease. Therefore, it has been classified as a Variant of Uncertain Significance.